The following is an entry in ClinVar:

NM_001277115.2(DNAH11):c.12328C>T (p.Pro4110Ser)

Gene: DNAH11 (dynein axonemal heavy chain 11; plus strand). Cytogenetic location: 7p15.3.
Variant type: single nucleotide variant.
Coding change: c.12328C>T on transcript NM_001277115.2 (MANE Select); coding-DNA position 12328, C replaced by T.
Protein change: p.Pro4110Ser; replaces proline 4110 with serine.
Molecular consequence: missense variant.
Genome position (GRCh38, 1-based): chr7:21,880,834, C>T. VCF-style: chr7-21880834-C-T. GRCh37 (hg19) VCF-style: chr7-21920452-C-T.
Other names: c.12349C>T, p.Pro4117Ser (NM_003777.3); short protein forms P4110S, P4117S.
Identifiers: ClinVar variation 2454176 (VCV002454176.2), dbSNP rs200821339, ClinGen allele CA366964132.

ClinVar aggregate classification (germline): Uncertain significance (1 of 4 stars; one submission).

Conditions:
Primary ciliary dyskinesia. Also called: Ciliary dyskinesia. Identifiers: Orphanet 244, MedGen C0008780, MONDO:0016575, HP:0012265.

gnomAD v4.1: 1 of 1,613,898 alleles (0.000062%); highest among the groups gnomAD compares: South Asian, 0.0011%; no homozygotes.

Submission:

Ambry Genetics
Classification: Uncertain significance for Primary ciliary dyskinesia. Last evaluated: 2022-12-16. Review status: criteria provided, single submitter. Criteria: Ambry Variant Classification Scheme 2023. Collection method: clinical testing. Allele origin: germline.
Comment: The p.P4110S variant (also known as c.12328C>T), located in coding exon 75 of the DNAH11 gene, results from a C to T substitution at nucleotide position 12328. The proline at codon 4110 is replaced by serine, an amino acid with similar properties. This amino acid position is conserved. In addition, this alteration is predicted to be tolerated by in silico analysis. Since supporting evidence is limited at this time, the clinical significance of this alteration remains unclear.